The following is an entry in ClinVar:

ClinVar aggregate classification (germline): Uncertain significance (1 of 4 stars; one submission).

Conditions:
Charcot-Marie-Tooth disease axonal type 2L. Also called: Charcot-Marie-Tooth Neuropathy Type 2L; CHARCOT-MARIE-TOOTH DISEASE, AXONAL, AUTOSOMAL DOMINANT, TYPE 2L; CHARCOT-MARIE-TOOTH NEUROPATHY, AXONAL, TYPE 2L. Identifiers: Orphanet 99945, MedGen C1837552, MONDO:0012096, OMIM 608673.

Allele frequency attached by ClinVar (database versions not stated): gnomAD 0.00001; ExAC 0.00003; TOPMed 0.00003.
gnomAD v4.1: 23 of 1,613,262 alleles (0.0014%); highest among the groups gnomAD compares: Middle Eastern, 0.033%; no homozygotes.

Submission:

Labcorp Genetics (formerly Invitae), Labcorp
Classification: Uncertain significance for Charcot-Marie-Tooth disease axonal type 2L. Last evaluated: 2025-11-04. Review status: criteria provided, single submitter. Criteria: Invitae Variant Classification Sherloc (09022015). Collection method: clinical testing. Allele origin: germline.
Comment: This sequence change replaces glutamic acid, which is acidic and polar, with lysine, which is basic and polar, at codon 84 of the HSPB8 protein (p.Glu84Lys). This variant is present in population databases (rs757293016, gnomAD 0.01%). This variant has not been reported in the literature in individuals affected with HSPB8-related conditions. ClinVar contains an entry for this variant (Variation ID: 653790). An algorithm developed to predict the effect of missense changes on protein structure and function (PolyPhen-2) suggests that this variant is likely to be tolerated. In summary, the available evidence is currently insufficient to determine the role of this variant in disease. Therefore, it has been classified as a Variant of Uncertain Significance.

NM_014365.3(HSPB8):c.250G>A (p.Glu84Lys)

Gene: HSPB8 (heat shock protein family B (small) member 8; plus strand). Cytogenetic location: 12q24.23.
Variant type: single nucleotide variant.
Coding change: c.250G>A on transcript NM_014365.3 (MANE Select); coding-DNA position 250, G replaced by A.
Protein change: p.Glu84Lys; replaces glutamic acid 84 with lysine.
Molecular consequence: missense variant.
Genome position (GRCh38, 1-based): chr12:119,179,562, G>A. VCF-style: chr12-119179562-G-A. GRCh37 (hg19) VCF-style: chr12-119617367-G-A.
Other names: short protein forms E84K.
Identifiers: ClinVar variation 653790 (VCV000653790.6), dbSNP rs757293016, ClinGen allele CA6819531.
Genomic context (GRCh38, chr12:119,179,562, plus strand): 5'-CTAAGGTCGGGCATGGTGCCCCGGGGCCCCACTGCCACCGCCAGGTTTGGGGTGCCTGCC[G>A]AGGGCAGGACCCCCCCACCCTTCCCTGGGGAGCCCTGGAAAGTGTGTGTGAATGTGCACA-3'
Protein context (NP_055180.1, residues 74-94): TATARFGVPA[Glu84Lys]GRTPPPFPGE